The following is an entry in ClinVar:

ClinVar aggregate classification (germline): Uncertain significance (1 of 4 stars; one submission).

Conditions:
Retinoblastoma (RB1). Also called: RETINOBLASTOMA, SOMATIC. Identifiers: Orphanet 790, MedGen C0035335, MeSH D012175, MONDO:0008380, OMIM 180200, HP:0009919. Disease mechanism: loss of function. Inheritance: Both sporadic and heritable forms are tested..

Submission:

Labcorp Genetics (formerly Invitae), Labcorp
Classification: Uncertain significance for Retinoblastoma. Last evaluated: 2019-01-29. Review status: criteria provided, single submitter. Criteria: Invitae Variant Classification Sherloc (09022015). Collection method: clinical testing. Allele origin: germline.
Comment: This sequence change replaces histidine with tyrosine at codon 129 of the RB1 protein (p.His129Tyr). The histidine residue is weakly conserved and there is a moderate physicochemical difference between histidine and tyrosine. This variant is not present in population databases (ExAC no frequency). This variant has been reported in individuals in the Leiden Open-source Variation Database (PMID: 21520333) . Algorithms developed to predict the effect of missense changes on protein structure and function output the following: SIFT: "Tolerated"; PolyPhen-2: "Benign"; Align-GVGD: "Class C0". The tyrosine amino acid residue is found in multiple mammalian species, suggesting that this missense change does not adversely affect protein function. These predictions have not been confirmed by published functional studies and their clinical significance is uncertain. In summary, the available evidence is currently insufficient to determine the role of this variant in disease. Therefore, it has been classified as a Variant of Uncertain Significance.

Literature cited by the submitters: PubMed 21520333.

NM_000321.3(RB1):c.385C>T (p.His129Tyr)

Gene: RB1 (RB transcriptional corepressor 1; plus strand). Cytogenetic location: 13q14.2.
Variant type: single nucleotide variant.
Coding change: c.385C>T on transcript NM_000321.3 (MANE Select); coding-DNA position 385, C replaced by T.
Protein change: p.His129Tyr; replaces histidine 129 with tyrosine.
Molecular consequence: missense variant.
Genome position (GRCh38, 1-based): chr13:48,345,084, C>T. VCF-style: chr13-48345084-C-T. GRCh37 (hg19) VCF-style: chr13-48919220-C-T.
Other names: short protein forms H129Y.
Identifiers: ClinVar variation 851150 (VCV000851150.9), dbSNP rs1952480132, ClinGen allele CA388252599.
Genomic context (GRCh38, chr13:48,345,084, plus strand): 5'-AATAACACAAATTTTTAAGGTTACTGATTTACTTTTTTCTATTCTTTCCTTTGTAGTGTC[C>T]ATAAATTCTTTAACTTACTAAAAGAAATTGATACCAGTACCAAAGTTGATAATGCTATGT-3'
Protein context (NP_000312.2, residues 119-139): ELQKNIEISV[His129Tyr]KFFNLLKEID